The following is an entry in ClinVar:

ClinVar aggregate classification (germline): Uncertain significance. Review status: criteria provided, multiple submitters, no conflicts (2 of 4 stars). 2 submissions from 2 submitters: Uncertain significance (2). Last evaluated 2025-06-16.

Allele frequency attached by ClinVar (database versions not stated): gnomAD exomes below 0.00001; gnomAD 0.00001.
gnomAD v4.1: 8 of 1,613,946 alleles (0.0005%); highest among the groups gnomAD compares: Admixed American, 0.005%; no homozygotes.

Submissions (2):

Labcorp Genetics (formerly Invitae), Labcorp
Classification: Uncertain significance. Last evaluated: 2025-06-16. Review status: criteria provided, single submitter. Criteria: Invitae Variant Classification Sherloc (09022015). Collection method: clinical testing. Allele origin: germline.
Comment: This sequence change replaces arginine, which is basic and polar, with cysteine, which is neutral and slightly polar, at codon 1144 of the TRRAP protein (p.Arg1144Cys). This variant is present in population databases (no rsID available, gnomAD 0.009%). This variant has not been reported in the literature in individuals affected with TRRAP-related conditions. ClinVar contains an entry for this variant (Variation ID: 2437353). Invitae Evidence Modeling of protein sequence and biophysical properties (such as structural, functional, and spatial information, amino acid conservation, physicochemical variation, residue mobility, and thermodynamic stability) indicates that this missense variant is expected to disrupt TRRAP protein function with a positive predictive value of 80%. In summary, the available evidence is currently insufficient to determine the role of this variant in disease. Therefore, it has been classified as a Variant of Uncertain Significance.

Revvity Omics, Revvity
Classification: Uncertain significance. Last evaluated: 2019-10-25. Review status: criteria provided, single submitter. Criteria: ACMG Guidelines, 2015. Collection method: clinical testing. Allele origin: germline.

NM_001375524.1(TRRAP):c.3430C>T (p.Arg1144Cys)

Gene: TRRAP (transformation/transcription domain associated protein; plus strand). Cytogenetic location: 7q22.1.
Variant type: single nucleotide variant.
Coding change: c.3430C>T on transcript NM_001375524.1 (MANE Select); coding-DNA position 3430, C replaced by T.
Protein change: p.Arg1144Cys; replaces arginine 1144 with cysteine.
Molecular consequence: missense variant.
Genome position (GRCh38, 1-based): chr7:98,930,669, C>T. VCF-style: chr7-98930669-C-T. GRCh37 (hg19) VCF-style: chr7-98528292-C-T.
Other names: c.3430C>T, p.Arg1144Cys (NM_001244580.2, NM_003496.4); short protein forms R1144C.
Identifiers: ClinVar variation 2437353 (VCV002437353.6), dbSNP rs1020415712, ClinGen allele CA163078529.